The following is an entry in ClinVar:

NM_052963.3(TOP1MT):c.1146G>A (p.Pro382=)

Gene: TOP1MT (DNA topoisomerase I mitochondrial; minus strand). Cytogenetic location: 8q24.3.
Variant type: single nucleotide variant.
Coding change: c.1146G>A on transcript NM_052963.3 (MANE Select); coding-DNA position 1146, G replaced by A.
Protein change: p.Pro382=; no amino-acid change (proline 382 retained).
Molecular consequence: synonymous variant.
Genome position (GRCh38, 1-based): chr8:143,321,201, C>T on the plus strand (G>A on the coding strand, the complement: TOP1MT is on the minus strand). VCF-style: chr8-143321201-C-T. GRCh37 (hg19) VCF-style: chr8-144403371-C-T.
Other names: c.852G>A, p.Pro284= (NM_001258446.1, NM_001258447.1).
Identifiers: ClinVar variation 3612606 (VCV003612606.2).

ClinVar aggregate classification (germline): Uncertain significance (1 of 4 stars; one submission).

Submission:

Labcorp Genetics (formerly Invitae), Labcorp
Classification: Uncertain significance. Last evaluated: 2024-04-15. Review status: criteria provided, single submitter. Criteria: Invitae Variant Classification Sherloc (09022015). Collection method: clinical testing. Allele origin: germline.
Comment: This sequence change affects codon 382 of the TOP1MT mRNA. It is a 'silent' change, meaning that it does not change the encoded amino acid sequence of the TOP1MT protein. This variant also falls at the last nucleotide of exon 8, which is part of the consensus splice site for this exon. This variant is present in population databases (rs374030470, gnomAD 0.02%). This variant has not been reported in the literature in individuals affected with TOP1MT-related conditions. Variants that disrupt the consensus splice site are a relatively common cause of aberrant splicing (PMID: 17576681, 9536098). Algorithms developed to predict the effect of sequence changes on RNA splicing suggest that this variant is not likely to affect RNA splicing. In summary, the available evidence is currently insufficient to determine the role of this variant in disease. Therefore, it has been classified as a Variant of Uncertain Significance.

Literature cited by the submitters: PubMed 17576681; PubMed 9536098.